The following is an entry in ClinVar:

ClinVar aggregate classification (germline): Uncertain significance (1 of 4 stars; one submission).

Conditions:
Hereditary cancer-predisposing syndrome. Also called: Hereditary Cancer Syndrome; Hereditary neoplastic syndrome; Neoplastic Syndromes, Hereditary; Tumor predisposition. Identifiers: Orphanet 140162, MedGen C0027672, MeSH D009386, MONDO:0015356.

Submission:

Ambry Genetics
Classification: Uncertain significance for Hereditary cancer-predisposing syndrome. Last evaluated: 2022-03-07. Review status: criteria provided, single submitter. Criteria: Ambry Variant Classification Scheme 2023. Collection method: clinical testing. Allele origin: germline.
Comment: The p.E49K variant (also known as c.145G>A), located in coding exon 2 of the BRCA2 gene, results from a G to A substitution at nucleotide position 145. The glutamic acid at codon 49 is replaced by lysine, an amino acid with similar properties. This amino acid position is not well conserved in available vertebrate species. In addition, this alteration is predicted to be tolerated by in silico analysis. Since supporting evidence is limited at this time, the clinical significance of this alteration remains unclear.

NM_000059.4(BRCA2):c.145G>A (p.Glu49Lys)

Gene: BRCA2 (BRCA2 DNA repair associated; plus strand). Cytogenetic location: 13q13.1.
Variant type: single nucleotide variant.
Coding change: c.145G>A on transcript NM_000059.4 (MANE Select); coding-DNA position 145, G replaced by A.
Protein change: p.Glu49Lys; replaces glutamic acid 49 with lysine.
Molecular consequence: missense variant.
Genome position (GRCh38, 1-based): chr13:32,319,154, G>A. VCF-style: chr13-32319154-G-A. GRCh37 (hg19) VCF-style: chr13-32893291-G-A.
Other names: c.145G>A, p.Glu49Lys (NM_001406719.1, NM_001406720.1, NM_001406721.1); c.-225G>A (NM_001406722.1); short protein forms E49K.
Identifiers: ClinVar variation 1773128 (VCV001773128.2), dbSNP rs80358435, ClinGen allele CA387754272.